The following is an entry in ClinVar:

NM_000038.6(APC):c.6830C>G (p.Ser2277Cys)

Gene: APC (APC regulator of Wnt signaling pathway; plus strand). Cytogenetic location: 5q22.2.
Variant type: single nucleotide variant.
Coding change: c.6830C>G on transcript NM_000038.6 (MANE Select); coding-DNA position 6830, C replaced by G.
Protein change: p.Ser2277Cys; replaces serine 2277 with cysteine.
Molecular consequence: missense variant.
Genome position (GRCh38, 1-based): chr5:112,842,424, C>G. VCF-style: chr5-112842424-C-G. GRCh37 (hg19) VCF-style: chr5-112178121-C-G.
Other names: c.6830C>G, p.Ser2277Cys (NM_001127510.3, NM_001354895.2); c.6776C>G, p.Ser2259Cys (NM_001127511.3); c.6884C>G, p.Ser2295Cys (NM_001354896.2); c.6860C>G, p.Ser2287Cys (NM_001354897.2); c.6755C>G, p.Ser2252Cys (NM_001354898.2); c.6746C>G, p.Ser2249Cys (NM_001354899.2); c.6707C>G, p.Ser2236Cys (NM_001354900.2); c.6653C>G, p.Ser2218Cys (NM_001354901.2); and 5 more; short protein forms S2259C, S2277C, S2117C, S2176C, S2249C, S2295C, S2252C, S2287C.
Identifiers: ClinVar variation 433674 (VCV000433674.7), dbSNP rs1554087778, ClinGen allele CA16036242.
Genomic context (GRCh38, chr5:112,842,424, plus strand): 5'-CCTCCAAAAGCCCTAGTGAAGGTCAAACAGCCACCACTTCTCCTAGAGGAGCCAAGCCAT[C>G]TGTGAAATCAGAATTAAGCCCTGTTGCCAGGCAGACATCCCAAATAGGTGGGTCAAGTAA-3'
Protein context (NP_000029.2, residues 2267-2287): ATTSPRGAKP[Ser2277Cys]VKSELSPVAR

ClinVar aggregate classification (germline): Uncertain significance. Review status: criteria provided, multiple submitters, no conflicts (2 of 4 stars). 3 submissions from 3 submitters: Uncertain significance (2). 1 of the submissions does not count toward it. Last evaluated 2025-07-24.

Conditions:
Hereditary cancer-predisposing syndrome. Also called: Hereditary neoplastic syndrome; Hereditary Cancer Syndrome; Tumor predisposition; Neoplastic Syndromes, Hereditary. Identifiers: Orphanet 140162, MedGen C0027672, MeSH D009386, MONDO:0015356.
Familial adenomatous polyposis 1 (FAP1). Also called: FAMILIAL ADENOMATOUS POLYPOSIS 1, ATTENUATED; POLYPOSIS, ADENOMATOUS INTESTINAL. Identifiers: MedGen C2713442, MONDO:0021056, OMIM 175100. Disease mechanism: loss of function.
Carcinoma of colon (CRC). Also called: Colon carcinoma; Colonic carcinoma. Identifiers: MedGen C0699790, MONDO:0002032.

Submissions (3):

Labcorp Genetics (formerly Invitae), Labcorp
Classification: Uncertain significance for Familial adenomatous polyposis 1. Last evaluated: 2025-07-24. Review status: criteria provided, single submitter. Criteria: Invitae Variant Classification Sherloc (09022015). Collection method: clinical testing. Allele origin: germline.
Comment: This sequence change replaces serine, which is neutral and polar, with cysteine, which is neutral and slightly polar, at codon 2277 of the APC protein (p.Ser2277Cys). This variant is not present in population databases (gnomAD no frequency). This variant has not been reported in the literature in individuals affected with APC-related conditions. ClinVar contains an entry for this variant (Variation ID: 433674). Invitae Evidence Modeling of protein sequence and biophysical properties (such as structural, functional, and spatial information, amino acid conservation, physicochemical variation, residue mobility, and thermodynamic stability) indicates that this missense variant is not expected to disrupt APC protein function with a negative predictive value of 95%. In summary, the available evidence is currently insufficient to determine the role of this variant in disease. Therefore, it has been classified as a Variant of Uncertain Significance.

Ambry Genetics
Classification: Uncertain significance for Hereditary cancer-predisposing syndrome. Last evaluated: 2022-01-18. Review status: criteria provided, single submitter. Criteria: Ambry Variant Classification Scheme 2023. Collection method: clinical testing. Allele origin: germline.
Comment: The p.S2277C variant (also known as c.6830C>G), located in coding exon 15 of the APC gene, results from a C to G substitution at nucleotide position 6830. The serine at codon 2277 is replaced by cysteine, an amino acid with dissimilar properties. This amino acid position is not well conserved in available vertebrate species. In addition, in silico predictors for this gene do not accurately predict pathogenicity. Since supporting evidence is limited at this time, the clinical significance of this alteration remains unclear.

Department of Pathology and Laboratory Medicine, Sinai Health System
Classification: Uncertain significance for Carcinoma of colon. Review status: no assertion criteria provided. Collection method: clinical testing. Allele origin: unknown. Affected: yes. Study: The Canadian Open Genetics Repository (COGR). Not counted in ClinVar's aggregate classification.
Comment: The p.Ser2277Cys variant has not been previously identified in the literature or in the public databases. The Ser2277 residue is not conserved in mammals, but in silico computational analysis (PolyPhen and SIFT) suggest an impact on protein function, however this is not predictive enough to suggest pathogenicity. In summary, based on the current information presented above, this variant is classified as VUS.